The following is an entry in ClinVar:

ClinVar aggregate classification (germline): Uncertain significance (1 of 4 stars; one submission).

Submission:

Labcorp Genetics (formerly Invitae), Labcorp
Classification: Uncertain significance. Last evaluated: 2022-12-14. Review status: criteria provided, single submitter. Criteria: Invitae Variant Classification Sherloc (09022015). Collection method: clinical testing. Allele origin: germline.
Comment: In summary, the available evidence is currently insufficient to determine the role of this variant in disease. Therefore, it has been classified as a Variant of Uncertain Significance. Algorithms developed to predict the effect of missense changes on protein structure and function (SIFT, PolyPhen-2, Align-GVGD) all suggest that this variant is likely to be tolerated. This variant has not been reported in the literature in individuals affected with TLR7-related conditions. This variant is not present in population databases (gnomAD no frequency). This sequence change replaces proline, which is neutral and non-polar, with serine, which is neutral and polar, at codon 435 of the TLR7 protein (p.Pro435Ser).

NM_016562.4(TLR7):c.1303C>T (p.Pro435Ser)

Gene: TLR7 (toll like receptor 7; plus strand). Cytogenetic location: Xp22.2.
Variant type: single nucleotide variant.
Coding change: c.1303C>T on transcript NM_016562.4 (MANE Select); coding-DNA position 1303, C replaced by T.
Protein change: p.Pro435Ser; replaces proline 435 with serine.
Molecular consequence: missense variant.
Genome position (GRCh38, 1-based): chrX:12,886,811, C>T. VCF-style: chrX-12886811-C-T. GRCh37 (hg19) VCF-style: chrX-12904930-C-T.
Other names: short protein forms P435S.
Identifiers: ClinVar variation 2819378 (VCV002819378.3), dbSNP rs2518438182, ClinGen allele CA412407334.